The following is an entry in ClinVar:

NM_001447.3(FAT2):c.12853G>A (p.Gly4285Arg)

Genes: FAT2 (FAT atypical cadherin 2; minus strand), SLC36A1 (solute carrier family 36 member 1; plus strand). Cytogenetic location: 5q33.1.
Variant type: single nucleotide variant.
Coding change: c.12853G>A on transcript NM_001447.3 (MANE Select); coding-DNA position 12853, G replaced by A.
Protein change: p.Gly4285Arg; replaces glycine 4285 with arginine.
Molecular consequence: missense variant.
Genome position (GRCh38, 1-based): chr5:151,505,762, C>T on the plus strand (G>A on the coding strand, the complement: FAT2 is on the minus strand). VCF-style: chr5-151505762-C-T. GRCh37 (hg19) VCF-style: chr5-150885323-C-T.
Other names: short protein forms G4285R.
Identifiers: ClinVar variation 3375276 (VCV003375276.2).

ClinVar aggregate classification (germline): Uncertain significance (1 of 4 stars; one submission).

gnomAD v4.1: 42 of 1,613,706 alleles (0.0026%); highest among the groups gnomAD compares: African/African-American, 0.016%; no homozygotes.

Submission:

Women's Health and Genetics/Laboratory Corporation of America, LabCorp
Classification: Uncertain significance. Last evaluated: 2025-06-17. Review status: criteria provided, single submitter. Criteria: LabCorp Variant Classification Summary - May 2015. Collection method: clinical testing. Allele origin: germline.
Comment: Variant summary: FAT2 c.12853G>A (p.Gly4285Arg) results in a non-conservative amino acid change in the encoded protein sequence. Algorithms developed to predict the effect of missense changes on protein structure and function are either unavailable or do not agree on the potential impact of this missense change. The variant allele was found at a frequency of 4e-05 in 250790 control chromosomes (gnomAD). This frequency is not significantly higher than estimated for a pathogenic variant in FAT2 causing Spinocerebellar Ataxia 45, allowing no conclusion about variant significance. To our knowledge, no occurrence of c.12853G>A in individuals affected with Spinocerebellar Ataxia 45 and no experimental evidence demonstrating its impact on protein function have been reported. ClinVar contains an entry for this variant (Variation ID: 3375276). Based on the evidence outlined above, the variant was classified as uncertain significance.